The following is an entry in ClinVar:

ClinVar aggregate classification (germline): Uncertain significance (1 of 4 stars; one submission).

gnomAD v4.1: 2 of 1,587,102 alleles (0.00013%); highest among the groups gnomAD compares: African/African-American, 0.0027%; no homozygotes.

Submission:

Labcorp Genetics (formerly Invitae), Labcorp
Classification: Uncertain significance. Last evaluated: 2025-04-14. Review status: criteria provided, single submitter. Criteria: Invitae Variant Classification Sherloc (09022015). Collection method: clinical testing. Allele origin: germline.
Comment: This sequence change replaces serine, which is neutral and polar, with proline, which is neutral and non-polar, at codon 427 of the TCF3 protein (p.Ser427Pro). This variant is not present in population databases (gnomAD no frequency). This variant has not been reported in the literature in individuals affected with TCF3-related conditions. ClinVar contains an entry for this variant (Variation ID: 3621053). Invitae Evidence Modeling of protein sequence and biophysical properties (such as structural, functional, and spatial information, amino acid conservation, physicochemical variation, residue mobility, and thermodynamic stability) indicates that this missense variant is not expected to disrupt TCF3 protein function with a negative predictive value of 80%. In summary, the available evidence is currently insufficient to determine the role of this variant in disease. Therefore, it has been classified as a Variant of Uncertain Significance.

NM_003200.5(TCF3):c.1279T>C (p.Ser427Pro)

Gene: TCF3 (transcription factor 3; minus strand). Cytogenetic location: 19p13.3.
Variant type: single nucleotide variant.
Coding change: c.1279T>C on transcript NM_003200.5 (MANE Select); coding-DNA position 1279, T replaced by C.
Protein change: p.Ser427Pro; replaces serine 427 with proline.
Molecular consequence: missense variant.
Genome position (GRCh38, 1-based): chr19:1,619,363, A>G on the plus strand (T>C on the coding strand, the complement: TCF3 is on the minus strand). VCF-style: chr19-1619363-A-G. GRCh37 (hg19) VCF-style: chr19-1619362-A-G.
Other names: c.1279T>C, p.Ser427Pro (NM_001136139.4, NM_001351779.2); c.1276T>C, p.Ser426Pro (NM_001351778.2); short protein forms S426P, S427P.
Identifiers: ClinVar variation 3621053 (VCV003621053.2).
Genomic context (GRCh38, chr19:1,619,363, plus strand): 5'-GCCCAGCGCTCACCAGGCCTGCGTGCCGCCCGCCCAGTGACATGGGGCCGGTGAAACCTG[A>G]GGCCAGCGCCCCGTGGCCAGGCAGCAGCGTGTGCATGTCGCCGGCTGTGCCCACGGCGTG-3'
Protein context (NP_003191.1, residues 417-437): TLLPGHGALA[Ser427Pro]GFTGPMSLGG